The following is an entry in ClinVar:

NM_031844.3(HNRNPU):c.1301T>C (p.Ile434Thr)

Gene: HNRNPU (heterogeneous nuclear ribonucleoprotein U; minus strand). Cytogenetic location: 1q44.
Variant type: single nucleotide variant.
Coding change: c.1301T>C on transcript NM_031844.3 (MANE Select); coding-DNA position 1301, T replaced by C.
Protein change: p.Ile434Thr; replaces isoleucine 434 with threonine.
Molecular consequence: missense variant.
Genome position (GRCh38, 1-based): chr1:244,858,204, A>G on the plus strand (T>C on the coding strand, the complement: HNRNPU is on the minus strand). VCF-style: chr1-244858204-A-G. GRCh37 (hg19) VCF-style: chr1-245021506-A-G.
Other names: c.1244T>C, p.Ile415Thr (NM_004501.3); short protein forms I415T, I434T.
Identifiers: ClinVar variation 1349307 (VCV001349307.8), dbSNP rs2102986726, ClinGen allele CA345491933.
Genomic context (GRCh38, chr1:244,858,204, plus strand): 5'-GCACAGTTGTGGCAGAGAACATGCGGGAACAGTGGCCGTCCAGCAAGAACTTCCTTACTG[A>G]TTTTGAAGGCAACGCCAAGATCTTGTCCATTCTTAGCATACGAGAGTTCTACTTCATCAC-3'
Protein context (NP_114032.2, residues 424-444): NGQDLGVAFK[Ile434Thr]SKEVLAGRPL

ClinVar aggregate classification (germline): Uncertain significance (1 of 4 stars; one submission).

Conditions:
Developmental and epileptic encephalopathy, 54. Also called: HNRNPU-Related Neurodevelopmental Disorder; Epileptic encephalopathy, early infantile, 54. Identifiers: MedGen C4479319, MONDO:0033363, OMIM 617391.

Submission:

Labcorp Genetics (formerly Invitae), Labcorp
Classification: Uncertain significance for Developmental and epileptic encephalopathy, 54. Last evaluated: 2021-04-27. Review status: criteria provided, single submitter. Criteria: Invitae Variant Classification Sherloc (09022015). Collection method: clinical testing. Allele origin: germline.
Comment: In summary, the available evidence is currently insufficient to determine the role of this variant in disease. Therefore, it has been classified as a Variant of Uncertain Significance. Algorithms developed to predict the effect of missense changes on protein structure and function are either unavailable or do not agree on the potential impact of this missense change (SIFT: "Deleterious"; PolyPhen-2: "Not Available"; Align-GVGD: "Class C0"). This variant has not been reported in the literature in individuals with HNRNPU-related conditions. This variant is not present in population databases (ExAC no frequency). This sequence change replaces isoleucine with threonine at codon 434 of the HNRNPU protein (p.Ile434Thr). The isoleucine residue is highly conserved and there is a moderate physicochemical difference between isoleucine and threonine.